The following is an entry in ClinVar:

ClinVar aggregate classification (germline): Uncertain significance (1 of 4 stars; one submission).

Conditions:
Malignant hyperthermia, susceptibility to, 5 (MHS5). Also called: CACNA1S-Related Malignant Hyperthermia Susceptibility. Identifiers: Orphanet 423, MedGen C1866077, MONDO:0011163, OMIM 601887.
Hypokalemic periodic paralysis, type 1. Also called: Hypokalemic Periodic Paralysis Type 1 (AD); HypoPP. Identifiers: Orphanet 681, MedGen C3714580, MONDO:0042979, OMIM 170400.

Allele frequency attached by ClinVar (database versions not stated): gnomAD exomes below 0.00001.
gnomAD v4.1: 1 of 1,611,498 alleles (0.000062%); highest among the groups gnomAD compares: Non-Finnish European, 0.000085%; no homozygotes.

Submission:

Labcorp Genetics (formerly Invitae), Labcorp
Classification: Uncertain significance for Hypokalemic periodic paralysis, type 1; Malignant hyperthermia, susceptibility to, 5. Last evaluated: 2023-12-11. Review status: criteria provided, single submitter. Criteria: Invitae Variant Classification Sherloc (09022015). Collection method: clinical testing. Allele origin: germline.
Comment: This sequence change replaces isoleucine, which is neutral and non-polar, with valine, which is neutral and non-polar, at codon 890 of the CACNA1S protein (p.Ile890Val). This variant is not present in population databases (gnomAD no frequency). This variant has not been reported in the literature in individuals affected with CACNA1S-related conditions. Advanced modeling of protein sequence and biophysical properties (such as structural, functional, and spatial information, amino acid conservation, physicochemical variation, residue mobility, and thermodynamic stability) performed at Invitae indicates that this missense variant is not expected to disrupt CACNA1S protein function with a negative predictive value of 80%. In summary, the available evidence is currently insufficient to determine the role of this variant in disease. Therefore, it has been classified as a Variant of Uncertain Significance.

NM_000069.3(CACNA1S):c.2668A>G (p.Ile890Val)

Gene: CACNA1S (calcium voltage-gated channel subunit alpha1 S; minus strand). Cytogenetic location: 1q32.1.
Variant type: single nucleotide variant.
Coding change: c.2668A>G on transcript NM_000069.3 (MANE Select); coding-DNA position 2668, A replaced by G.
Protein change: p.Ile890Val; replaces isoleucine 890 with valine.
Molecular consequence: missense variant.
Genome position (GRCh38, 1-based): chr1:201,066,306, T>C on the plus strand (A>G on the coding strand, the complement: CACNA1S is on the minus strand). VCF-style: chr1-201066306-T-C. GRCh37 (hg19) VCF-style: chr1-201035434-T-C.
Other names: short protein forms I890V.
Identifiers: ClinVar variation 2930510 (VCV002930510.3), dbSNP rs2464521087, ClinGen allele CA344102722.